The following is an entry in ClinVar:

NM_001161352.2(KCNMA1):c.1198T>A (p.Ser400Thr)

Gene: KCNMA1 (potassium calcium-activated channel subfamily M alpha 1; minus strand). Cytogenetic location: 10q22.3.
Variant type: single nucleotide variant.
Coding change: c.1198T>A on transcript NM_001161352.2 (MANE Select); coding-DNA position 1198, T replaced by A.
Protein change: p.Ser400Thr; replaces serine 400 with threonine.
Molecular consequence: missense variant.
Genome position (GRCh38, 1-based): chr10:77,108,506, A>T on the plus strand (T>A on the coding strand, the complement: KCNMA1 is on the minus strand). VCF-style: chr10-77108506-A-T. GRCh37 (hg19) VCF-style: chr10-78868264-A-T.
Other names: c.1198T>A, p.Ser400Thr (NM_001161353.2, NM_001271519.2, NM_001322829.2 and 8 more transcripts); c.1036T>A, p.Ser346Thr (NM_001271518.2); c.658T>A, p.Ser220Thr (NM_001322838.2); short protein forms S220T, S346T, S400T.
Identifiers: ClinVar variation 3602368 (VCV003602368.3).
Genomic context (GRCh38, chr10:77,108,506, plus strand): 5'-GCAGCAGAGGCAGCAAAACCTCTTGGCATACTTACTTTCTTCCACTAACCGCACTATAGG[A>T]GCCCCCGTATTTCTTGCGGTTTCCTATTAACTCTATGATTTCAGGGACGTAGCTGGCAAA-3'
Protein context (NP_001154824.1, residues 390-410): LIGNRKKYGG[Ser400Thr]YSAVSGRKHI

ClinVar aggregate classification (germline): Uncertain significance. Review status: criteria provided, multiple submitters, no conflicts (2 of 4 stars). 2 submissions from 2 submitters: Uncertain significance (2). Last evaluated 2026-09-26.

Conditions:
Liang-Wang syndrome. Identifiers: Orphanet 664438, MedGen C5231479, MONDO:0032886, OMIM 618729.

gnomAD v4.1: 1 of 1,613,800 alleles (0.000062%); highest among the groups gnomAD compares: Non-Finnish European, 0.000085%; no homozygotes.

Submissions (2):

GeneDx
Classification: Uncertain significance. Last evaluated: 2026-09-26. Review status: criteria provided, single submitter. Criteria: GeneDx Variant Classification Process June 2021. Collection method: clinical testing. Allele origin: germline.
Comment: Not observed at significant frequency in large population cohorts (gnomAD); In silico analysis suggests that this missense variant does not alter protein structure/function; Has not been previously published as pathogenic or benign to our knowledge

3billion
Classification: Uncertain significance for Liang-Wang syndrome. Last evaluated: 2025-09-27. Review status: criteria provided, single submitter. Criteria: ACMG Guidelines, 2015. Collection method: clinical testing. Allele origin: germline. Affected: yes.
Comment: The variant is observed at an extremely low frequency in the gnomAD v4.1.0 dataset (total allele frequency: <0.001%). Predicted Consequence/Location: Missense variant Damaging effect on gene or gene product predicted by in silico programs is uncertain [REVEL: 0.33 (damaging >=0.6, benign <0.4), 3Cnet: 0.57 (damaging >0.75, benign <0.1)]. The variant has been reported as of uncertain significance (ClinVar ID: VCV003602368). Therefore, this variant is classified as VUS according to the recommendation of ACMG/AMP guideline.